The following is an entry in ClinVar:

NM_006206.6(PDGFRA):c.419T>C (p.Val140Ala)

Gene: PDGFRA (platelet derived growth factor receptor alpha; plus strand). Cytogenetic location: 4q12.
Variant type: single nucleotide variant.
Coding change: c.419T>C on transcript NM_006206.6 (MANE Select); coding-DNA position 419, T replaced by C.
Protein change: p.Val140Ala; replaces valine 140 with alanine.
Molecular consequence: missense variant.
Genome position (GRCh38, 1-based): chr4:54,263,718, T>C. VCF-style: chr4-54263718-T-C. GRCh37 (hg19) VCF-style: chr4-55129885-T-C.
Other names: c.419T>C, p.Val140Ala (NM_001347827.2, NM_001347829.2); c.494T>C, p.Val165Ala (NM_001347828.2); c.458T>C, p.Val153Ala (NM_001347830.2); short protein forms V140A, V153A, V165A.
Identifiers: ClinVar variation 2447482 (VCV002447482.2), dbSNP rs2475433563, ClinGen allele CA356889766.

ClinVar aggregate classification (germline): Uncertain significance (1 of 4 stars; one submission).

Conditions:
Hereditary cancer-predisposing syndrome. Also called: Neoplastic Syndromes, Hereditary; Hereditary Cancer Syndrome; Tumor predisposition; Hereditary neoplastic syndrome. Identifiers: Orphanet 140162, MedGen C0027672, MeSH D009386, MONDO:0015356.

Submission:

Ambry Genetics
Classification: Uncertain significance for Hereditary cancer-predisposing syndrome. Last evaluated: 2023-02-24. Review status: criteria provided, single submitter. Criteria: Ambry Variant Classification Scheme 2023. Collection method: clinical testing. Allele origin: germline.
Comment: The p.V140A variant (also known as c.419T>C), located in coding exon 3 of the PDGFRA gene, results from a T to C substitution at nucleotide position 419. The valine at codon 140 is replaced by alanine, an amino acid with similar properties. This amino acid position is conserved. In addition, this alteration is predicted to be tolerated by in silico analysis. Since supporting evidence is limited at this time, the clinical significance of this alteration remains unclear.